The following is an entry in ClinVar:

ClinVar aggregate classification (germline): Uncertain significance (1 of 4 stars; one submission).

Allele frequency attached by ClinVar (database versions not stated): TOPMed below 0.00001.
gnomAD v4.1: 7 of 1,614,080 alleles (0.00043%); highest among the groups gnomAD compares: Non-Finnish European, 0.00059%; no homozygotes.

Submission:

Labcorp Genetics (formerly Invitae), Labcorp
Classification: Uncertain significance. Last evaluated: 2022-11-08. Review status: criteria provided, single submitter. Criteria: Invitae Variant Classification Sherloc (09022015). Collection method: clinical testing. Allele origin: germline.
Comment: In summary, the available evidence is currently insufficient to determine the role of this variant in disease. Therefore, it has been classified as a Variant of Uncertain Significance. Algorithms developed to predict the effect of missense changes on protein structure and function are either unavailable or do not agree on the potential impact of this missense change (SIFT: "Tolerated"; PolyPhen-2: "Probably Damaging"; Align-GVGD: "Class C0"). This variant has not been reported in the literature in individuals affected with ACACA-related conditions. This variant is not present in population databases (gnomAD no frequency). This sequence change replaces proline, which is neutral and non-polar, with alanine, which is neutral and non-polar, at codon 2084 of the ACACA protein (p.Pro2084Ala).

NM_198834.3(ACACA):c.6361C>G (p.Pro2121Ala)

Gene: ACACA (acetyl-CoA carboxylase alpha; minus strand). Cytogenetic location: 17q12.
Variant type: single nucleotide variant.
Coding change: c.6361C>G on transcript NM_198834.3 (MANE Select); coding-DNA position 6361, C replaced by G.
Protein change: p.Pro2121Ala; replaces proline 2121 with alanine.
Molecular consequence: missense variant.
Genome position (GRCh38, 1-based): chr17:37,113,179, G>C on the plus strand (C>G on the coding strand, the complement: ACACA is on the minus strand). VCF-style: chr17-37113179-G-C. GRCh37 (hg19) VCF-style: chr17-35470114-G-C.
Other names: c.6250C>G, p.Pro2084Ala (NM_198836.3, NM_198839.3); c.6076C>G, p.Pro2026Ala (NM_198837.2); c.6016C>G, p.Pro2006Ala (NM_198838.2); short protein forms P2006A, P2026A, P2084A, P2121A.
Identifiers: ClinVar variation 1974002 (VCV001974002.5), dbSNP rs1193946316, ClinGen allele CA399240789.